The following is an entry in ClinVar:

ClinVar aggregate classification (germline): Conflicting classifications of pathogenicity. Review status: criteria provided, conflicting classifications (1 of 4 stars). 4 submissions from 3 submitters: Uncertain significance (3); Likely benign (1). Last evaluated 2024-01-09.

Conditions:
Autosomal dominant nonsyndromic hearing loss 12. Also called: DEAFNESS, AUTOSOMAL DOMINANT 8. Identifiers: Orphanet 90635, MedGen C1832187, MONDO:0011102, OMIM 601543.
Autosomal recessive nonsyndromic hearing loss 21. Identifiers: Orphanet 90636, MedGen C1863655, MONDO:0011351, OMIM 603629.

Allele frequency attached by ClinVar (database versions not stated): gnomAD 0.00016 and 0.00019; TOPMed 0.00016; gnomAD exomes 0.00019 and 0.00027; ExAC 0.00029; ESP Exome Variant Server 0.00046.
gnomAD v4.1: 408 of 1,614,210 alleles (0.025%); highest among the groups gnomAD compares: East Asian, 0.058%; 2 homozygotes.

Submissions (4):

Blueprint Genetics
Classification: Likely benign. Last evaluated: 2024-01-09. Review status: criteria provided, single submitter. Criteria: ACMG Guidelines, 2015. Collection method: clinical testing. Allele origin: germline.

GeneDx
Classification: Uncertain significance. Last evaluated: 2021-06-23. Review status: criteria provided, single submitter. Criteria: GeneDx Variant Classification Process June 2021. Collection method: clinical testing. Allele origin: germline. Affected: yes.
Comment: Has not been previously published as pathogenic or benign to our knowledge; In-silico analysis, which includes splice predictors and evolutionary conservation, is inconclusive as to whether the variant alters gene splicing. In the absence of RNA/functional studies, the actual effect of this sequence change is unknown.; This variant is associated with the following publications: (PMID: 27535533)

Illumina Laboratory Services, Illumina
Classification: Uncertain significance for Autosomal recessive nonsyndromic hearing loss 21. Last evaluated: 2018-01-13. Review status: criteria provided, single submitter. Criteria: ICSL Variant Classification Criteria 13 December 2019. Collection method: clinical testing. Allele origin: germline.

Illumina Laboratory Services, Illumina
Classification: Uncertain significance for Autosomal dominant nonsyndromic hearing loss 12. Last evaluated: 2018-01-13. Review status: criteria provided, single submitter. Criteria: ICSL Variant Classification Criteria 13 December 2019. Collection method: clinical testing. Allele origin: germline.

NM_005422.4(TECTA):c.420T>C (p.Ser140=)

Genes: TBCEL-TECTA (TBCEL-TECTA readthrough; plus strand), TECTA (tectorin alpha; plus strand). Cytogenetic location: 11q23.3.
Variant type: single nucleotide variant.
Coding change: c.420T>C on transcript NM_005422.4 (MANE Select); coding-DNA position 420, T replaced by C.
Protein change: p.Ser140=; no amino-acid change (serine 140 retained).
Molecular consequence: synonymous variant.
Genome position (GRCh38, 1-based): chr11:121,109,432, T>C. VCF-style: chr11-121109432-T-C. GRCh37 (hg19) VCF-style: chr11-120980141-T-C.
Identifiers: ClinVar variation 880300 (VCV000880300.6), dbSNP rs141090151, ClinGen allele CA6326489.